The following is an entry in ClinVar:

NM_001042492.3(NF1):c.1920C>G (p.Thr640=)

Gene: NF1 (neurofibromin 1; plus strand). Cytogenetic location: 17q11.2.
Variant type: single nucleotide variant.
Coding change: c.1920C>G on transcript NM_001042492.3 (MANE Select); coding-DNA position 1920, C replaced by G.
Protein change: p.Thr640=; no amino-acid change (threonine 640 retained).
Molecular consequence: synonymous variant.
Genome position (GRCh38, 1-based): chr17:31,225,169, C>G. VCF-style: chr17-31225169-C-G. GRCh37 (hg19) VCF-style: chr17-29552187-C-G.
Other names: c.1920C>G, p.Thr640= (NM_000267.4).
Identifiers: ClinVar variation 480108 (VCV000480108.10), dbSNP rs1555613574, ClinGen allele CA499231506.
Genomic context (GRCh38, chr17:31,225,169, plus strand): 5'-TTCCTGTCACTTTCTCCTTTTTTACGGGGTAGGATGTGATATTCCTTCTAGTGGAAATAC[C>G]AGTCAAATGTCCATGGATCATGAAGAATTACTACGTACTCCTGGAGCCTCTCTCCGGAAG-3'
Protein context (NP_001035957.1, residues 630-650): VGCDIPSSGN[Thr640=]SQMSMDHEEL

ClinVar aggregate classification (germline): Likely benign. Review status: criteria provided, multiple submitters, no conflicts (2 of 4 stars). 3 submissions from 3 submitters: Likely benign (3). Last evaluated 2024-06-19.

Conditions:
Hereditary cancer-predisposing syndrome. Also called: Hereditary neoplastic syndrome; Neoplastic Syndromes, Hereditary; Tumor predisposition; Hereditary Cancer Syndrome. Identifiers: Orphanet 140162, MedGen C0027672, MeSH D009386, MONDO:0015356.
Neurofibromatosis, type 1 (NF1). Also called: VON RECKLINGHAUSEN DISEASE; Peripheral type neurofibromatosis; NEUROFIBROMATOSIS, TYPE I, SOMATIC; Neurofibromatosis, type I. Identifiers: Orphanet 636, MedGen C0027831, MONDO:0018975, OMIM 162200. Disease mechanism: loss of function.

Allele frequency attached by ClinVar (database versions not stated): gnomAD exomes below 0.00001.
gnomAD v4.1: 1 of 1,613,564 alleles (0.000062%); highest among the groups gnomAD compares: Non-Finnish European, 0.000085%; no homozygotes.

Submissions (3):

Labcorp Genetics (formerly Invitae), Labcorp
Classification: Likely benign for Neurofibromatosis, type 1. Last evaluated: 2024-06-19. Review status: criteria provided, single submitter. Criteria: Invitae Variant Classification Sherloc (09022015). Collection method: clinical testing. Allele origin: germline.

Genome-Nilou Lab
Classification: Likely benign for Neurofibromatosis, type 1. Last evaluated: 2022-03-15. Review status: criteria provided, single submitter. Criteria: ACMG Guidelines, 2015. Collection method: clinical testing. Allele origin: germline. Affected: no.

Ambry Genetics
Classification: Likely benign for Hereditary cancer-predisposing syndrome. Last evaluated: 2016-03-18. Review status: criteria provided, single submitter. Criteria: Ambry Autosomal Dominant and X-Linked criteria (10/2015). Collection method: clinical testing. Allele origin: germline. Observed: 1 variant allele.
Comment: In silico models in agreement (benign);Synonymous alterations with insufficient evidence to classify as benign